The following is an entry in ClinVar:

ClinVar aggregate classification (germline): Uncertain significance (1 of 4 stars; one submission).

Conditions:
KBG syndrome (KBGS). Also called: ANKRD11-Related KBG Syndrome. Identifiers: Orphanet 2332, MedGen C0220687, MONDO:0007846, OMIM 148050.

gnomAD v4.1: 15 of 1,613,838 alleles (0.00093%); highest among the groups gnomAD compares: African/African-American, 0.0053%; no homozygotes.

Submission:

Labcorp Genetics (formerly Invitae), Labcorp
Classification: Uncertain significance for KBG syndrome. Last evaluated: 2025-05-07. Review status: criteria provided, single submitter. Criteria: Invitae Variant Classification Sherloc (09022015). Collection method: clinical testing. Allele origin: germline.
Comment: This sequence change replaces arginine, which is basic and polar, with tryptophan, which is neutral and slightly polar, at codon 895 of the ANKRD11 protein (p.Arg895Trp). This variant is present in population databases (rs781323579, gnomAD 0.01%). This variant has not been reported in the literature in individuals affected with ANKRD11-related conditions. Invitae Evidence Modeling of protein sequence and biophysical properties (such as structural, functional, and spatial information, amino acid conservation, physicochemical variation, residue mobility, and thermodynamic stability) indicates that this missense variant is not expected to disrupt ANKRD11 protein function with a negative predictive value of 95%. In summary, the available evidence is currently insufficient to determine the role of this variant in disease. Therefore, it has been classified as a Variant of Uncertain Significance.

NM_013275.6(ANKRD11):c.2683C>T (p.Arg895Trp)

Gene: ANKRD11 (ankyrin repeat domain 11; minus strand). Cytogenetic location: 16q24.3.
Variant type: single nucleotide variant.
Coding change: c.2683C>T on transcript NM_013275.6 (MANE Select); coding-DNA position 2683, C replaced by T.
Protein change: p.Arg895Trp; replaces arginine 895 with tryptophan.
Molecular consequence: missense variant.
Genome position (GRCh38, 1-based): chr16:89,283,859, G>A on the plus strand (C>T on the coding strand, the complement: ANKRD11 is on the minus strand). VCF-style: chr16-89283859-G-A. GRCh37 (hg19) VCF-style: chr16-89350267-G-A.
Other names: c.2683C>T, p.Arg895Trp (NM_001256182.2, NM_001256183.2); short protein forms R895W.
Identifiers: ClinVar variation 4752884 (VCV004752884.1).